The following is an entry in ClinVar:

NM_006514.4(SCN10A):c.4001T>C (p.Ile1334Thr)

Gene: SCN10A (sodium voltage-gated channel alpha subunit 10; minus strand). Cytogenetic location: 3p22.2.
Variant type: single nucleotide variant.
Coding change: c.4001T>C on transcript NM_006514.4 (MANE Select); coding-DNA position 4001, T replaced by C.
Protein change: p.Ile1334Thr; replaces isoleucine 1334 with threonine.
Molecular consequence: missense variant.
Genome position (GRCh38, 1-based): chr3:38,712,249, A>G on the plus strand (T>C on the coding strand, the complement: SCN10A is on the minus strand). VCF-style: chr3-38712249-A-G. GRCh37 (hg19) VCF-style: chr3-38753740-A-G.
Other names: c.3998T>C, p.Ile1333Thr (NM_001293306.2); c.3707T>C, p.Ile1236Thr (NM_001293307.2); short protein forms I1236T, I1333T, I1334T.
Identifiers: ClinVar variation 4800339 (VCV004800339.1).

ClinVar aggregate classification (germline): Uncertain significance (1 of 4 stars; one submission).

Conditions:
Brugada syndrome. Also called: Sudden unexpected nocturnal death syndrome; Sudden unexplained nocturnal death syndrome; Sudden Unexplained Death Syndrome; Sudden Unexplained Nocturnal Death Syndrome (SUNDS). Identifiers: Orphanet 130, MedGen C1142166, MONDO:0015263.

gnomAD v4.1: 1 of 1,614,220 alleles (0.000062%); highest among the groups gnomAD compares: Non-Finnish European, 0.000085%; no homozygotes.

Submission:

Labcorp Genetics (formerly Invitae), Labcorp
Classification: Uncertain significance for Brugada syndrome. Last evaluated: 2025-07-10. Review status: criteria provided, single submitter. Criteria: Invitae Variant Classification Sherloc (09022015). Collection method: clinical testing. Allele origin: germline.
Comment: This sequence change replaces isoleucine, which is neutral and non-polar, with threonine, which is neutral and polar, at codon 1334 of the SCN10A protein (p.Ile1334Thr). This variant is not present in population databases (gnomAD no frequency). This variant has not been reported in the literature in individuals affected with SCN10A-related conditions. Invitae Evidence Modeling of protein sequence and biophysical properties (such as structural, functional, and spatial information, amino acid conservation, physicochemical variation, residue mobility, and thermodynamic stability) indicates that this missense variant is not expected to disrupt SCN10A protein function with a negative predictive value of 80%. In summary, the available evidence is currently insufficient to determine the role of this variant in disease. Therefore, it has been classified as a Variant of Uncertain Significance.